The following continues an entry in ClinVar:

NM_004456.5(EZH2):c.2110+6T>G

Gene: EZH2. ClinVar aggregate classification (germline): Benign. Benign (7).

Submissions 32 to 69 of 111:

Dr. Peter K. Rogan Lab, Western University
No classification provided (evidence only). Condition: Sarcoma. Review status: no classification provided. Collection method: in vitro. Allele origin: not applicable. Functional consequence: retained intron. Not counted in ClinVar's aggregate classification.

Dr. Peter K. Rogan Lab, Western University
No classification provided (evidence only). Condition: Sarcoma. Review status: no classification provided. Collection method: in vitro. Allele origin: not applicable. Functional consequence: retained intron. Not counted in ClinVar's aggregate classification.

Dr. Peter K. Rogan Lab, Western University
No classification provided (evidence only). Condition: Sarcoma. Review status: no classification provided. Collection method: in vitro. Allele origin: not applicable. Functional consequence: retained intron. Not counted in ClinVar's aggregate classification.

Dr. Peter K. Rogan Lab, Western University
No classification provided (evidence only). Condition: Sarcoma. Review status: no classification provided. Collection method: in vitro. Allele origin: not applicable. Functional consequence: retained intron. Not counted in ClinVar's aggregate classification.

Dr. Peter K. Rogan Lab, Western University
No classification provided (evidence only). Condition: Sarcoma. Review status: no classification provided. Collection method: in vitro. Allele origin: not applicable. Functional consequence: retained intron. Not counted in ClinVar's aggregate classification.

Dr. Peter K. Rogan Lab, Western University
No classification provided (evidence only). Condition: Sarcoma. Review status: no classification provided. Collection method: in vitro. Allele origin: not applicable. Functional consequence: retained intron. Not counted in ClinVar's aggregate classification.

Dr. Peter K. Rogan Lab, Western University
No classification provided (evidence only). Condition: Sarcoma. Review status: no classification provided. Collection method: in vitro. Allele origin: not applicable. Functional consequence: retained intron. Not counted in ClinVar's aggregate classification.

Dr. Peter K. Rogan Lab, Western University
No classification provided (evidence only). Condition: Sarcoma. Review status: no classification provided. Collection method: in vitro. Allele origin: not applicable. Functional consequence: retained intron. Not counted in ClinVar's aggregate classification.

Dr. Peter K. Rogan Lab, Western University
No classification provided (evidence only). Condition: Sarcoma. Review status: no classification provided. Collection method: in vitro. Allele origin: not applicable. Functional consequence: retained intron. Not counted in ClinVar's aggregate classification.

Dr. Peter K. Rogan Lab, Western University
No classification provided (evidence only). Condition: Sarcoma. Review status: no classification provided. Collection method: in vitro. Allele origin: not applicable. Functional consequence: retained intron. Not counted in ClinVar's aggregate classification.

Dr. Peter K. Rogan Lab, Western University
No classification provided (evidence only). Condition: Sarcoma. Review status: no classification provided. Collection method: in vitro. Allele origin: not applicable. Functional consequence: retained intron. Not counted in ClinVar's aggregate classification.

Dr. Peter K. Rogan Lab, Western University
No classification provided (evidence only). Condition: Sarcoma. Review status: no classification provided. Collection method: in vitro. Allele origin: not applicable. Functional consequence: retained intron. Not counted in ClinVar's aggregate classification.

Dr. Peter K. Rogan Lab, Western University
No classification provided (evidence only). Condition: Sarcoma. Review status: no classification provided. Collection method: in vitro. Allele origin: not applicable. Functional consequence: retained intron. Not counted in ClinVar's aggregate classification.

Dr. Peter K. Rogan Lab, Western University
No classification provided (evidence only). Condition: Sarcoma. Review status: no classification provided. Collection method: in vitro. Allele origin: not applicable. Functional consequence: retained intron. Not counted in ClinVar's aggregate classification.

Dr. Peter K. Rogan Lab, Western University
No classification provided (evidence only). Condition: Sarcoma. Review status: no classification provided. Collection method: in vitro. Allele origin: not applicable. Functional consequence: retained intron. Not counted in ClinVar's aggregate classification.

Dr. Peter K. Rogan Lab, Western University
No classification provided (evidence only). Condition: Sarcoma. Review status: no classification provided. Collection method: in vitro. Allele origin: not applicable. Functional consequence: retained intron. Not counted in ClinVar's aggregate classification.

Dr. Peter K. Rogan Lab, Western University
No classification provided (evidence only). Condition: Malignant lymphoma, large B-cell, diffuse. Review status: no classification provided. Collection method: in vitro. Allele origin: not applicable. Functional consequence: retained intron. Not counted in ClinVar's aggregate classification.

Dr. Peter K. Rogan Lab, Western University
No classification provided (evidence only). Condition: Malignant lymphoma, large B-cell, diffuse. Review status: no classification provided. Collection method: in vitro. Allele origin: not applicable. Functional consequence: retained intron. Not counted in ClinVar's aggregate classification.

Dr. Peter K. Rogan Lab, Western University
No classification provided (evidence only). Condition: Malignant lymphoma, large B-cell, diffuse. Review status: no classification provided. Collection method: in vitro. Allele origin: not applicable. Functional consequence: retained intron. Not counted in ClinVar's aggregate classification.

Dr. Peter K. Rogan Lab, Western University
No classification provided (evidence only). Condition: Malignant lymphoma, large B-cell, diffuse. Review status: no classification provided. Collection method: in vitro. Allele origin: not applicable. Functional consequence: skipped exon, retained intron. Not counted in ClinVar's aggregate classification.

Dr. Peter K. Rogan Lab, Western University
No classification provided (evidence only). Condition: Hepatocellular carcinoma. Review status: no classification provided. Collection method: in vitro. Allele origin: not applicable. Functional consequence: retained intron. Not counted in ClinVar's aggregate classification.

Dr. Peter K. Rogan Lab, Western University
No classification provided (evidence only). Condition: Thymoma. Review status: no classification provided. Collection method: in vitro. Allele origin: not applicable. Functional consequence: retained intron. Not counted in ClinVar's aggregate classification.

Dr. Peter K. Rogan Lab, Western University
No classification provided (evidence only). Condition: Thymoma. Review status: no classification provided. Collection method: in vitro. Allele origin: not applicable. Functional consequence: retained intron. Not counted in ClinVar's aggregate classification.

Dr. Peter K. Rogan Lab, Western University
No classification provided (evidence only). Condition: Thymoma. Review status: no classification provided. Collection method: in vitro. Allele origin: not applicable. Functional consequence: retained intron. Not counted in ClinVar's aggregate classification.

Dr. Peter K. Rogan Lab, Western University
No classification provided (evidence only). Condition: Thymoma. Review status: no classification provided. Collection method: in vitro. Allele origin: not applicable. Functional consequence: retained intron. Not counted in ClinVar's aggregate classification.

Dr. Peter K. Rogan Lab, Western University
No classification provided (evidence only). Condition: Thymoma. Review status: no classification provided. Collection method: in vitro. Allele origin: not applicable. Functional consequence: retained intron. Not counted in ClinVar's aggregate classification.

Dr. Peter K. Rogan Lab, Western University
No classification provided (evidence only). Condition: Thymoma. Review status: no classification provided. Collection method: in vitro. Allele origin: not applicable. Functional consequence: retained intron. Not counted in ClinVar's aggregate classification.

Dr. Peter K. Rogan Lab, Western University
No classification provided (evidence only). Condition: Thymoma. Review status: no classification provided. Collection method: in vitro. Allele origin: not applicable. Functional consequence: retained intron. Not counted in ClinVar's aggregate classification.

Dr. Peter K. Rogan Lab, Western University
No classification provided (evidence only). Condition: Thymoma. Review status: no classification provided. Collection method: in vitro. Allele origin: not applicable. Functional consequence: retained intron. Not counted in ClinVar's aggregate classification.

Dr. Peter K. Rogan Lab, Western University
No classification provided (evidence only). Condition: Cholangiocarcinoma. Review status: no classification provided. Collection method: in vitro. Allele origin: not applicable. Functional consequence: retained intron. Not counted in ClinVar's aggregate classification.

Dr. Peter K. Rogan Lab, Western University
No classification provided (evidence only). Condition: Cholangiocarcinoma. Review status: no classification provided. Collection method: in vitro. Allele origin: not applicable. Functional consequence: retained intron. Not counted in ClinVar's aggregate classification.

Dr. Peter K. Rogan Lab, Western University
No classification provided (evidence only). Condition: Uterine carcinosarcoma. Review status: no classification provided. Collection method: in vitro. Allele origin: not applicable. Functional consequence: retained intron. Not counted in ClinVar's aggregate classification.

Dr. Peter K. Rogan Lab, Western University
No classification provided (evidence only). Condition: Uterine carcinosarcoma. Review status: no classification provided. Collection method: in vitro. Allele origin: not applicable. Functional consequence: retained intron. Not counted in ClinVar's aggregate classification.

Dr. Peter K. Rogan Lab, Western University
No classification provided (evidence only). Condition: Uterine carcinosarcoma. Review status: no classification provided. Collection method: in vitro. Allele origin: not applicable. Functional consequence: retained intron. Not counted in ClinVar's aggregate classification.

Dr. Peter K. Rogan Lab, Western University
No classification provided (evidence only). Condition: Uterine carcinosarcoma. Review status: no classification provided. Collection method: in vitro. Allele origin: not applicable. Functional consequence: retained intron. Not counted in ClinVar's aggregate classification.

Dr. Peter K. Rogan Lab, Western University
No classification provided (evidence only). Condition: Uveal melanoma. Review status: no classification provided. Collection method: in vitro. Allele origin: not applicable. Functional consequence: retained intron. Not counted in ClinVar's aggregate classification.

Dr. Peter K. Rogan Lab, Western University
No classification provided (evidence only). Condition: Uveal melanoma. Review status: no classification provided. Collection method: in vitro. Allele origin: not applicable. Functional consequence: retained intron. Not counted in ClinVar's aggregate classification.

Dr. Peter K. Rogan Lab, Western University
No classification provided (evidence only). Condition: Uveal melanoma. Review status: no classification provided. Collection method: in vitro. Allele origin: not applicable. Functional consequence: retained intron. Not counted in ClinVar's aggregate classification.